The following is an entry in ClinVar:

ClinVar aggregate classification (germline): Uncertain significance (1 of 4 stars; one submission).

Conditions:
CDH2-related disorder. Also called: CDH2-related condition.

Submission:

PreventionGenetics, part of Exact Sciences
Classification: Uncertain significance for CDH2-related condition. Last evaluated: 2026-01-26. Review status: criteria provided, single submitter. Criteria: ACMG Guidelines, 2015. Collection method: clinical testing. Allele origin: germline.
Comment: The CDH2 c.847+2T>G variant is predicted to disrupt the GT donor site and interfere with normal splicing. This variant is predicted to impact splicing based on computational splice modeling; however, the impact of this variant has not been functionally validated (SpliceAI, Jaganathan et al. 2019. PubMed ID: 30661751). To our knowledge, this variant has not been reported in the literature or in a large population database (gnomAD), indicating this variant is rare. Although we suspect that this variant may be pathogenic, at this time, the clinical significance of this variant is uncertain due to the absence of conclusive functional and genetic evidence.

NM_001792.5(CDH2):c.847+2T>G

Gene: CDH2 (cadherin 2; minus strand). Cytogenetic location: 18q12.1.
Variant type: single nucleotide variant.
Coding change: c.847+2T>G on transcript NM_001792.5 (MANE Select); the canonical splice donor site of the intron after coding-DNA position 847, T replaced by G.
Molecular consequence: splice donor variant.
Genome position (GRCh38, 1-based): chr18:28,005,847, A>C on the plus strand (T>G on the coding strand, the complement: CDH2 is on the minus strand). VCF-style: chr18-28005847-A-C. GRCh37 (hg19) VCF-style: chr18-25585811-A-C.
Other names: c.754+2T>G (NM_001308176.2).
Identifiers: ClinVar variation 5002530 (VCV005002530.1).